The following is an entry in ClinVar:

NM_000256.3(MYBPC3):c.1224-52G>A

Gene: MYBPC3 (myosin binding protein C3; minus strand). Cytogenetic location: 11p11.2.
Variant type: single nucleotide variant.
Coding change: c.1224-52G>A on transcript NM_000256.3 (MANE Select); 52 bases into the intron before coding-DNA position 1224, G replaced by A.
Molecular consequence: intron variant.
Genome position (GRCh38, 1-based): chr11:47,343,314, C>T on the plus strand (G>A on the coding strand, the complement: MYBPC3 is on the minus strand). VCF-style: chr11-47343314-C-T. GRCh37 (hg19) VCF-style: chr11-47364865-C-T.
Other names: p.?.
Identifiers: ClinVar variation 188544 (VCV000188544.47), dbSNP rs786204336, ClinGen allele CA009923.
Genomic context (GRCh38, chr11:47,343,314, plus strand): 5'-ACTTACTTGCTGTAGAACAGAAGGGGCCGTTGAAGTGTTCCCGACGGGAGGAAGTGAGCC[C>T]GAGACAAAAGGAGAGAGAGAGAGGGACCGGCAGGAGCAAAAGGATGGGAAATTAGGCCCA-3'

ClinVar aggregate classification (germline): Pathogenic/Likely pathogenic. Review status: criteria provided, multiple submitters, no conflicts (2 of 4 stars). 23 submissions from 23 submitters: Pathogenic (20); Likely pathogenic (3). Last evaluated 2026-06-16.

Conditions:
MYBPC3-related disorder. Also called: MYBPC3-related disorders; MYBPC3-related condition; MYBPC3-related disease.
Cardiovascular phenotype. Identifiers: MedGen CN230736.
Left ventricular noncompaction 10 (LVNC10). Identifiers: Orphanet 154, Orphanet 54260, MedGen C3715165, MONDO:0014163, OMIM 615396.
Hypertrophic cardiomyopathy 4. Also called: Familial hypertrophic cardiomyopathy 4. Identifiers: MedGen C1861862, MONDO:0007268, OMIM 115197.
Cardiomyopathy (CMYO). Also called: Cardiomyopathies. Identifiers: Orphanet 167848, MedGen C0878544, MONDO:0004994, HP:0001638. Inheritance: Various modes of inheritance.
Hypertrophic cardiomyopathy. Also called: HYPERTROPHIC MYOCARDIOPATHY. Identifiers: Orphanet 217569, MedGen C0007194, MeSH D002312, MONDO:0005045, HP:0001639.

Allele frequency attached by ClinVar (database versions not stated): gnomAD 0.00002 and 0.00003.
gnomAD v4.1: 79 of 1,522,824 alleles (0.0052%); highest among the groups gnomAD compares: South Asian, 0.015%; no homozygotes.

Submissions 1 to 9 of 23:

Women's Health and Genetics/Laboratory Corporation of America, LabCorp
Classification: Pathogenic for Cardiomyopathy. Last evaluated: 2026-06-16. Review status: criteria provided, single submitter. Criteria: LabCorp Variant Classification Summary - May 2015. Collection method: clinical testing. Allele origin: germline.
Comment: Variant summary: MYBPC3 c.1224-52G>A is located at a position not widely known to affect splicing. Several computational tools predict a significant impact on normal splicing: Four predict the variant creates a 3' acceptor site. Experimental evidence has shown that this variant affects mRNA splicing, causing inclusion of 50 intronic nucleotides, leading to a frameshift in the amino acid sequence and insertion of premature termination codon (p.Ser408fs*31; Bagnall_2018, Harper_2020). The variant allele was found at a frequency of 5.2e-05 in 1522824 control chromosomes. This frequency is not significantly higher than estimated for disease-causing variants in MYBPC3, allowing no conclusion about variant significance. c.1224-52G>A has been observed in multiple individuals affected with hypertrophic cardiomyopathy (HCM), has been shown to segregate with disease in several families and has been reported as a recurrent and frequent mutation in HCM patients (e.g. Harper_2020, Lopes_2020). This variant has also been reported in the homozygous state in individuals with a more severe infantile cardiomyopathy phenotype (Szulik_2023). Altogether these data indicate that the variant is very likely to be associated with disease. The following publications have been ascertained in the context of this evaluation (PMID: 30025578, 32163302, 32396390, 36980931). ClinVar contains an entry for this variant (Variation ID: 188544). Based on the evidence outlined above, the variant was classified as pathogenic.

PreventionGenetics, part of Exact Sciences
Classification: Pathogenic for MYBPC3-related condition. Last evaluated: 2026-03-25. Review status: criteria provided, single submitter. Criteria: ACMG Guidelines, 2015. Collection method: clinical testing. Allele origin: germline.
Comment: The MYBPC3 c.1224-52G>A variant is predicted to interfere with splicing. This variant has been reported in numerous individuals with hypertrophic cardiomyopathy (see, for example: Bagnall et al. 2018. PubMed ID: 30025578; Harper et al. 2020. PubMed ID: 32163302; Lopes et al. 2020. PubMed ID: 32396390; Table S1, Lesurf et al. 2022. PubMed ID: 35288587). mRNA studies showed that this variant results in the inclusion of 50 intronic nucleotides leading to a frameshift and premature protein termination p.Ser408fs*31 (Bagnall et al. 2018. PubMed ID: 30025578; Harper et al. 2020. PubMed ID: 32163302; Holliday et al. 2021. PubMed ID: 33657327). This variant is reported in 0.012% (1/8,688) of alleles in individuals of African descent in gnomAD and is interpreted as likely pathogenic and pathogenic in ClinVar (Clinvar ID: 188544). This variant is interpreted as pathogenic.

Labcorp Genetics (formerly Invitae), Labcorp
Classification: Pathogenic for Hypertrophic cardiomyopathy. Last evaluated: 2026-01-27. Review status: criteria provided, single submitter. Criteria: Invitae Variant Classification Sherloc (09022015). Collection method: clinical testing. Allele origin: germline.
Comment: This sequence change falls in intron 13 of the MYBPC3 gene. It does not directly change the encoded amino acid sequence of the MYBPC3 protein. RNA analysis indicates that this variant induces altered splicing and may result in an absent or altered protein product. This variant is present in population databases (rs786204336, gnomAD 0.01%). This variant has been observed in individuals with hypertrophic cardiomyopathy (PMID: 30025578, 32163302, 32396390). It has also been observed to segregate with disease in related individuals. ClinVar contains an entry for this variant (Variation ID: 188544). Studies have shown that this variant results in aberrant splicing, and produces a non-functional protein and/or introduces a premature termination codon (PMID: 30025578, 32163302). For these reasons, this variant has been classified as Pathogenic.

3billion
Classification: Pathogenic for Hypertrophic cardiomyopathy 4. Last evaluated: 2025-11-28. Review status: criteria provided, single submitter. Criteria: ACMG Guidelines, 2015. Collection method: clinical testing. Allele origin: germline. Affected: yes.
Comment: The variant is observed at an extremely low frequency in the gnomAD v4.1.0 dataset (total allele frequency: 0.005%). Predicted Consequence/Location: Intron variant: previously reported to alter splicing (PMID: 30025578). In silico tools predict the variant to alter splicing and produce an abnormal transcript [SpliceAI: 0.99 (spliceogenicity >=0.2, non-spliceogenicity <0.1)]. Intron variant: previously reported to alter splicing (PMID: 30025578). Therefore, this variant is classified as Pathogenic according to the recommendation of ACMG/AMP guideline.

Victorian Clinical Genetics Services, Murdoch Childrens Research Institute
Classification: Pathogenic for Hypertrophic cardiomyopathy 4. Last evaluated: 2025-10-28. Review status: criteria provided, single submitter. Criteria: ACMG Guidelines, 2015. Collection method: clinical testing. Allele origin: germline. Affected: yes.
Comment: This variant is classified as Pathogenic. Evidence in support of pathogenic classification: Non-coding variant with known effect. This variant has been shown to result in a 50bp retention of intron 13, leading to a frameshift and premature stop codon at residue 438 (PMIDs: 30025578, 32163302); Variant is present in gnomAD <0.01 (v4: 79 heterozygote(s), 0 homozygote(s)); This variant has strong previous evidence of pathogenicity in unrelated individuals. This variant has been classified as pathogenic and likely pathogenic by multiple clinical laboratories in ClinVar, and reported in the literature in heterozygous individuals with hypertrophic cardiomyopathy (VCGS, PMIDs: 30025578, 32163302); This variant has moderate evidence for segregation with disease. This variant has been shown to segregate with disease in four unrelated families; however, this variant has also been identified in one unaffected individual (PMID: 32163302). Additional information: This variant is heterozygous; This gene is associated with both recessive and dominant disease. Dominant inheritance is frequently reported in adult onset conditions and recessive inheritance results in a more severe early onset phenotype (OMIM); Loss of function is a known mechanism of disease in this gene and is associated with hypertrophic cardiomyopathy 4 (HCM; MIM#115197); Variants in this gene are known to have variable expressivity (PMID: 32841044); Inheritance information for this variant is not currently available in this individual.

Dasa
Classification: Pathogenic. Last evaluated: 2025-08-21. Review status: criteria provided, single submitter. Criteria: DASA Assertion Criteria. Collection method: clinical testing. Allele origin: germline.
Comment: NM_000256.3(MYBPC3):c.1224-52G>A is a splice-region variant predicted to affect normal RNA splicing. Segregation evidence has been reported in affected families. This variant has been recurrently observed in individuals with related phenotype (PMID: 35508642; PMID: 33657327; PMID: 32163302; PMID: 35288587; PMID: 32396390). Multiple computational predictions support a deleterious effect on the gene or gene product. The variant is present at low frequency in population datasets. Based on the available data, this variant is classified as pathogenic.

Variantyx, Inc.
Classification: Pathogenic for Hypertrophic cardiomyopathy 4. Last evaluated: 2025-08-10. Review status: criteria provided, single submitter. Criteria: Variantyx Assertion Criteria 2022. Collection method: clinical testing. Allele origin: germline. Inheritance: Autosomal dominant inheritance. Affected: yes.
Comment: This is an intronic variant in the MYBPC3 gene (OMIM: 600958). Pathogenic variants in this gene have been associated with autosomal dominant hypertrophic cardiomyopathy-4 (HCM). This variant has been shown to result in aberrant splicing and introduction of a premature termination codon resulting in loss of function, which is a known disease mechanism for MYBPC3 in this disorder (PMID: 30025578, 32163302, 32396390) (PVS1). The frequency of this variant in affected individuals is significantly increased compared to controls (PMID: 32396390, 32163302) (PS4). This variant has been observed to segregate with disease in at least 10 individuals from 4 families (PMID: 32163302) (PP1). It has a 0.0154% maximum allele frequency in non-founder control populations. Based on the current evidence, this variant is classified as pathogenic for autosomal dominant hypertrophic cardiomyopathy-4.

Molecular Diagnostic Laboratory for Inherited Cardiovascular Disease, Montreal Heart Institute
Classification: Pathogenic for Cardiovascular phenotype. Last evaluated: 2025-06-10. Review status: criteria provided, single submitter. Criteria: ACMG Guidelines, 2015. Collection method: clinical testing. Allele origin: germline. Affected: yes.
Comment: PVS1, PS4, PP1_strong, PM2

Mayo Clinic Laboratories, Mayo Clinic
Classification: Pathogenic. Last evaluated: 2025-03-31. Review status: criteria provided, single submitter. Criteria: ACMG Guidelines, 2015. Collection method: clinical testing. Allele origin: germline. Observed: 1 variant allele.
Comment: PP1_strong, PP3, PM2_supporting, PS3, PS4